The following is an entry in ClinVar:

NC_000023.10:g.(?_107802294)_(107807156_?)del

Gene: COL4A5 (collagen type IV alpha 5 chain; plus strand). Cytogenetic location: Xq22.3.
Variant type: Deletion.
Identifiers: ClinVar variation 1076346 (VCV001076346.7).

ClinVar aggregate classification (germline): Pathogenic (1 of 4 stars; one submission).

Submission:

Labcorp Genetics (formerly Invitae), Labcorp
Classification: Pathogenic. Last evaluated: 2020-04-21. Review status: criteria provided, single submitter. Criteria: Invitae Variant Classification Sherloc (09022015). Collection method: clinical testing. Allele origin: germline.
Comment: This variant is an in-frame deletion of the genomic region encompassing exon(s) 3-4 of the COL4A5 gene. It preserves the integrity of the reading frame. This variant has not been reported in the literature in individuals with COL4A5-related conditions. For these reasons, this variant has been classified as Pathogenic. This deletion contains glycine residues within the Gly-Xaa-Yaa repeats of the triple helix domain which are required for the structure and stability of fibrillar collagens (PMID: 7695699, 8218237, 19344236). In COL4A5, variants at these glycine residues are significantly enriched in individuals with disease (PMID: 23720012, 27627812) compared to the general population (ExAC).

Literature cited by the submitters: PubMed 7695699; PubMed 8218237; PubMed 19344236; PubMed 23720012; PubMed 27627812.